The following is an entry in ClinVar:

NM_000081.4(LYST):c.9109A>G (p.Lys3037Glu)

Gene: LYST (lysosomal trafficking regulator; minus strand). Cytogenetic location: 1q42.3.
Variant type: single nucleotide variant.
Coding change: c.9109A>G on transcript NM_000081.4 (MANE Select); coding-DNA position 9109, A replaced by G.
Protein change: p.Lys3037Glu; replaces lysine 3037 with glutamic acid.
Molecular consequence: missense variant.
Genome position (GRCh38, 1-based): chr1:235,728,129, T>C on the plus strand (A>G on the coding strand, the complement: LYST is on the minus strand). VCF-style: chr1-235728129-T-C. GRCh37 (hg19) VCF-style: chr1-235891429-T-C.
Other names: c.9109A>G, p.Lys3037Glu (NM_001301365.1); c.9109A>G (NM_000081.2); short protein forms K3037E.
Identifiers: ClinVar variation 1482357 (VCV001482357.5), dbSNP rs769600064, ClinGen allele CA1465670.

ClinVar aggregate classification (germline): Uncertain significance. Review status: criteria provided, multiple submitters, no conflicts (2 of 4 stars). 3 submissions from 3 submitters: Uncertain significance (3). Last evaluated 2024-09-05.

Conditions:
Inborn genetic diseases. Identifiers: MedGen C0950123, MeSH D030342.
Chédiak-Higashi syndrome (CHS). Also called: Chediak-Higashi Syndrome. Identifiers: Orphanet 167, MedGen C0007965, MONDO:0008963, OMIM 214500.

Allele frequency attached by ClinVar (database versions not stated): ExAC 0.00001; gnomAD exomes 0.00002; gnomAD 0.00004; TOPMed 0.00004.
gnomAD v4.1: 29 of 1,610,070 alleles (0.0018%); highest among the groups gnomAD compares: Non-Finnish European, 0.0022%; no homozygotes.

Submissions (3):

Blueprint Genetics
Classification: Uncertain significance. Last evaluated: 2024-09-05. Review status: criteria provided, single submitter. Criteria: ACMG Guidelines, 2015. Collection method: clinical testing. Allele origin: germline.

Labcorp Genetics (formerly Invitae), Labcorp
Classification: Uncertain significance for Chédiak-Higashi syndrome. Last evaluated: 2022-08-23. Review status: criteria provided, single submitter. Criteria: Invitae Variant Classification Sherloc (09022015). Collection method: clinical testing. Allele origin: germline.
Comment: This sequence change replaces lysine, which is basic and polar, with glutamic acid, which is acidic and polar, at codon 3037 of the LYST protein (p.Lys3037Glu). This variant is present in population databases (rs769600064, gnomAD 0.004%). This variant has not been reported in the literature in individuals affected with LYST-related conditions. ClinVar contains an entry for this variant (Variation ID: 1482357). Algorithms developed to predict the effect of missense changes on protein structure and function are either unavailable or do not agree on the potential impact of this missense change (SIFT: "Tolerated"; PolyPhen-2: "Probably Damaging"; Align-GVGD: "Class C0"). In summary, the available evidence is currently insufficient to determine the role of this variant in disease. Therefore, it has been classified as a Variant of Uncertain Significance.

Ambry Genetics
Classification: Uncertain significance for Inborn genetic diseases. Last evaluated: 2022-01-18. Review status: criteria provided, single submitter. Criteria: Ambry Variant Classification Scheme 2023. Collection method: clinical testing. Allele origin: germline.